The following is an entry in ClinVar:

NM_000443.4(ABCB4):c.3617A>G (p.Asp1206Gly)

Gene: ABCB4 (ATP binding cassette subfamily B member 4; minus strand). Cytogenetic location: 7q21.12.
Variant type: single nucleotide variant.
Coding change: c.3617A>G on transcript NM_000443.4 (MANE Select); coding-DNA position 3617, A replaced by G.
Protein change: p.Asp1206Gly; replaces aspartic acid 1206 with glycine.
Molecular consequence: missense variant.
Genome position (GRCh38, 1-based): chr7:87,403,151, T>C on the plus strand (A>G on the coding strand, the complement: ABCB4 is on the minus strand). VCF-style: chr7-87403151-T-C. GRCh37 (hg19) VCF-style: chr7-87032467-T-C.
Other names: c.3638A>G, p.Asp1213Gly (NM_018849.3); c.3476A>G, p.Asp1159Gly (NM_018850.3); short protein forms D1159G, D1206G, D1213G.
Identifiers: ClinVar variation 4846415 (VCV004846415.1).

ClinVar aggregate classification (germline): Uncertain significance (1 of 4 stars; one submission).

Conditions:
Familial intrahepatic cholestasis. Identifiers: Orphanet 284385, MedGen CN296401, MONDO:0017290.
Low phospholipid associated cholelithiasis (GBD1). Also called: Gallbladder disease 1; Gallstone cholecystitis. Identifiers: Orphanet 69663, MedGen C2609268, MONDO:0010939, OMIM 600803.

Submission:

Genomenon, Inc
Classification: Uncertain significance for Familial intrahepatic cholestasis; Low phospholipid associated cholelithiasis. Last evaluated: 2026-04-14. Review status: criteria provided, single submitter. Criteria: Genomenon Sequence Variant Interpretation Standards - Updated. Collection method: curation. Allele origin: germline. Affected: no.
Comment: ABCB4 p.Asp1206Gly (c.3617A>G) is a missense variant that changes the amino acid at residue 1206 from Aspartic acid to Glycine. To our knowledge, this variant has not been reported in patients affected with an ABCB4-related phenotype in the published literature. At least one functional study has demonstrated a substantial alteration in protein function relative to the wild-type (PMID:36674751). It is absent or not present at a significant frequency in gnomAD. In silico models predict that this variant is possibly or probably damaging. In conclusion, we classify ABCB4 p.Asp1206Gly (c.3617A>G) as a variant of uncertain significance.

Literature cited by the submitters: PubMed 36674751.